The following is an entry in ClinVar:

NM_000435.3(NOTCH3):c.605_606inv (p.Ala202Val)

Gene: NOTCH3 (notch receptor 3; minus strand). Cytogenetic location: 19p13.12.
Variant type: Inversion.
Coding change: c.605_606inv on transcript NM_000435.3 (MANE Select).
Protein change: p.Ala202Val; replaces alanine 202 with valine.
Molecular consequence: missense variant.
Genome position: GRCh38 VCF-style: chr19-15192033-TG-CA. GRCh37 (hg19) VCF-style: chr19-15302844-TG-CA.
Other names: short protein forms A202V.
Identifiers: ClinVar variation 2878108 (VCV002878108.3), ClinGen allele CA2739276579.
Genomic context (GRCh38, chr19:15,192,033, plus strand): 5'-ACAGTCGTAAGTGAGGTCGCCACTCTGCCTGCAGGTGCCCCCGTTACGGCATGGTGAGGG[TG>CA]CACAGGGCACCGCGGGGTTCTCACATAGTGGCCCTGTGTAGCCAGCTGGACACTGGCAGC-3'
Protein context (NP_000426.2, residues 192-212): PLCENPAVPC[Ala202Val]PSPCRNGGTC

ClinVar aggregate classification (germline): Uncertain significance (1 of 4 stars; one submission).

Submission:

Labcorp Genetics (formerly Invitae), Labcorp
Classification: Uncertain significance. Last evaluated: 2026-01-07. Review status: criteria provided, single submitter. Criteria: Invitae Variant Classification Sherloc (09022015). Collection method: clinical testing. Allele origin: germline.
Comment: This sequence change replaces alanine, which is neutral and non-polar, with valine, which is neutral and non-polar, at codon 202 of the NOTCH3 protein (p.Ala202Val). The frequency data for this variant in the population databases is considered unreliable, as metrics indicate poor data quality at this position in the gnomAD database. This missense change has been observed in individual(s) with clinical features of CADASIL (PMID: 22373597, 28902129). ClinVar contains an entry for this variant (Variation ID: 2878108). An algorithm developed to predict the effect of missense changes on protein structure and function (PolyPhen-2) suggests that this variant is likely to be disruptive. In summary, the available evidence is currently insufficient to determine the role of this variant in disease. Therefore, it has been classified as a Variant of Uncertain Significance.

Literature cited by the submitters: PubMed 22373597; PubMed 28902129.